The following is an entry in ClinVar:

NM_001364171.2(ODAD1):c.1910C>T (p.Thr637Ile)

Gene: ODAD1 (outer dynein arm docking complex subunit 1; minus strand). Cytogenetic location: 19q13.33.
Variant type: single nucleotide variant.
Coding change: c.1910C>T on transcript NM_001364171.2 (MANE Select); coding-DNA position 1910, C replaced by T.
Protein change: p.Thr637Ile; replaces threonine 637 with isoleucine.
Molecular consequence: missense variant.
Genome position (GRCh38, 1-based): chr19:48,297,190, G>A on the plus strand (C>T on the coding strand, the complement: ODAD1 is on the minus strand). VCF-style: chr19-48297190-G-A. GRCh37 (hg19) VCF-style: chr19-48800447-G-A.
Other names: c.1799C>T, p.Thr600Ile (NM_144577.4); short protein forms T637I, T600I.
Identifiers: ClinVar variation 3882543 (VCV003882543.1).

ClinVar aggregate classification (germline): Uncertain significance (1 of 4 stars; one submission).

Conditions:
Primary ciliary dyskinesia. Also called: Ciliary dyskinesia. Identifiers: Orphanet 244, MedGen C0008780, MONDO:0016575, HP:0012265.

gnomAD v4.1: 48 of 1,614,026 alleles (0.003%); highest among the groups gnomAD compares: Non-Finnish European, 0.0041%; no homozygotes.

Submission:

Ambry Genetics
Classification: Uncertain significance for Primary ciliary dyskinesia. Last evaluated: 2025-02-06. Review status: criteria provided, single submitter. Criteria: Ambry Variant Classification Scheme 2023. Collection method: clinical testing. Allele origin: germline.
Comment: The p.T600I variant (also known as c.1799C>T), located in coding exon 13 of the CCDC114 gene, results from a C to T substitution at nucleotide position 1799. The threonine at codon 600 is replaced by isoleucine, an amino acid with similar properties. This amino acid position is conserved. In addition, this alteration is predicted to be tolerated by in silico analysis. Based on the available evidence, the clinical significance of this variant remains unclear.